The following is an entry in ClinVar:

ClinVar aggregate classification (germline): Uncertain significance (1 of 4 stars; one submission).

Submission:

Labcorp Genetics (formerly Invitae), Labcorp
Classification: Uncertain significance. Last evaluated: 2023-12-30. Review status: criteria provided, single submitter. Criteria: Invitae Variant Classification Sherloc (09022015). Collection method: clinical testing. Allele origin: germline.
Comment: This sequence change replaces aspartic acid, which is acidic and polar, with histidine, which is basic and polar, at codon 494 of the KIF11 protein (p.Asp494His). This variant is not present in population databases (gnomAD no frequency). This variant has not been reported in the literature in individuals affected with KIF11-related conditions. Advanced modeling of protein sequence and biophysical properties (such as structural, functional, and spatial information, amino acid conservation, physicochemical variation, residue mobility, and thermodynamic stability) performed at Invitae indicates that this missense variant is not expected to disrupt KIF11 protein function with a negative predictive value of 80%. In summary, the available evidence is currently insufficient to determine the role of this variant in disease. Therefore, it has been classified as a Variant of Uncertain Significance.

NM_004523.4(KIF11):c.1480G>C (p.Asp494His)

Gene: KIF11 (kinesin family member 11; plus strand). Cytogenetic location: 10q23.33.
Variant type: single nucleotide variant.
Coding change: c.1480G>C on transcript NM_004523.4 (MANE Select); coding-DNA position 1480, G replaced by C.
Protein change: p.Asp494His; replaces aspartic acid 494 with histidine.
Molecular consequence: missense variant.
Genome position (GRCh38, 1-based): chr10:92,630,350, G>C. VCF-style: chr10-92630350-G-C. GRCh37 (hg19) VCF-style: chr10-94390107-G-C.
Other names: short protein forms D494H.
Identifiers: ClinVar variation 2706695 (VCV002706695.3), dbSNP rs1844723696, ClinGen allele CA377591982.